The following is an entry in ClinVar:

NM_152424.4(AMER1):c.1185G>C (p.Glu395Asp)

Gene: AMER1 (APC membrane recruitment protein 1; minus strand). Cytogenetic location: Xq11.2.
Variant type: single nucleotide variant.
Coding change: c.1185G>C on transcript NM_152424.4 (MANE Select); coding-DNA position 1185, G replaced by C.
Protein change: p.Glu395Asp; replaces glutamic acid 395 with aspartic acid.
Molecular consequence: missense variant.
Genome position (GRCh38, 1-based): chrX:64,192,102, C>G on the plus strand (G>C on the coding strand, the complement: AMER1 is on the minus strand). VCF-style: chrX-64192102-C-G. GRCh37 (hg19) VCF-style: chrX-63411982-C-G.
Other names: short protein forms E395D.
Identifiers: ClinVar variation 4709053 (VCV004709053.1).

ClinVar aggregate classification (germline): Uncertain significance (1 of 4 stars; one submission).

Submission:

Labcorp Genetics (formerly Invitae), Labcorp
Classification: Uncertain significance. Last evaluated: 2025-08-29. Review status: criteria provided, single submitter. Criteria: Invitae Variant Classification Sherloc (09022015). Collection method: clinical testing. Allele origin: germline.
Comment: This sequence change replaces glutamic acid, which is acidic and polar, with aspartic acid, which is acidic and polar, at codon 395 of the AMER1 protein (p.Glu395Asp). This variant is present in population databases (rs766550265, gnomAD 0.003%), including at least one homozygous and/or hemizygous individual. This variant has not been reported in the literature in individuals affected with AMER1-related conditions. An algorithm developed to predict the effect of missense changes on protein structure and function outputs the following: PolyPhen-2: "Benign". The aspartic acid amino acid residue is found in multiple mammalian species, which suggests that this missense change does not adversely affect protein function. In summary, the available evidence is currently insufficient to determine the role of this variant in disease. Therefore, it has been classified as a Variant of Uncertain Significance.